The following is an entry in ClinVar:

ClinVar aggregate classification (germline): Likely benign (1 of 4 stars; one submission).

gnomAD v4.1: 73 of 1,613,926 alleles (0.0045%); highest among the groups gnomAD compares: Non-Finnish European, 0.0052%; no homozygotes.

Submission:

CeGaT Center for Human Genetics Tuebingen
Classification: Likely benign. Last evaluated: 2026-01-01. Review status: criteria provided, single submitter. Criteria: CeGaT Center For Human Genetics Tuebingen Variant Classification Criteria Version 2. Collection method: clinical testing. Allele origin: germline. Affected: yes. Observed: 2 variant alleles.
Comment: ASH1L: BP4, BP7

NM_018489.3(ASH1L):c.2232C>T (p.Asn744=)

Gene: ASH1L (ASH1 like histone lysine methyltransferase; minus strand). Cytogenetic location: 1q22.
Variant type: single nucleotide variant.
Coding change: c.2232C>T on transcript NM_018489.3 (MANE Select); coding-DNA position 2232, C replaced by T.
Protein change: p.Asn744=; no amino-acid change (asparagine 744 retained).
Molecular consequence: synonymous variant.
Genome position (GRCh38, 1-based): chr1:155,480,638, G>A on the plus strand (C>T on the coding strand, the complement: ASH1L is on the minus strand). VCF-style: chr1-155480638-G-A. GRCh37 (hg19) VCF-style: chr1-155450429-G-A.
Other names: c.2232C>T, p.Asn744= (NM_001366177.2).
Identifiers: ClinVar variation 3257664 (VCV003257664.17).
Genomic context (GRCh38, chr1:155,480,638, plus strand): 5'-AATGTTTTTCATAAACTTGGCTGGCTCAGAATTACTATTTGATAGTGAGCTACATGAAAC[G>A]TTTTTAAAAAGCTCTGATCTTTCTAATTCTAGCCCTTTTGGAGACCGGCATGTGCTTCTT-3'
Protein context (NP_060959.2, residues 734-754): LELERSELFK[Asn744=]VSCSSLSNSN